The following is an entry in ClinVar:

ClinVar aggregate classification (germline): Likely pathogenic (1 of 4 stars; one submission).

Conditions:
Autosomal recessive distal spinal muscular atrophy 1. Also called: NEURONOPATHY, DISTAL HEREDITARY MOTOR, HARDING TYPE VI; NEUROPATHY, DISTAL HEREDITARY MOTOR, AUTOSOMAL RECESSIVE 1; NEURONOPATHY, SEVERE INFANTILE AXONAL, WITH RESPIRATORY FAILURE; SEVERE INFANTILE AXONAL NEUROPATHY WITH RESPIRATORY FAILURE; SPINAL MUSCULAR ATROPHY, DIAPHRAGMATIC; HMN VI. Identifiers: Orphanet 98920, MedGen C1858517, MONDO:0011436, OMIM 604320.

Submission:

Service de Pédiatrie - Neurologie et infectiologie - Toulouse, CHU de Toulouse - Hôpital des Enfants
Classification: Likely pathogenic for Autosomal recessive distal spinal muscular atrophy 1. Last evaluated: 2016-08-18. Review status: criteria provided, single submitter. Criteria: ACMG Guidelines, 2015. Collection method: case-control. Allele origin: unknown. Inheritance: Autosomal recessive inheritance. Affected: yes. Observed: 1 variant allele, 1 homozygote.
Comment: It is never published in any databases. But it is likely pathogenic because located on a splice site, causing a premature codon stop in the middle of the main functional domain of the protein (DNA helicase, region 2A where ATP binding sites are concentrated).

NM_002180.3(IGHMBP2):c.1418+1G>C

Gene: IGHMBP2 (immunoglobulin mu DNA binding protein 2; plus strand). Cytogenetic location: 11q13.3.
Variant type: single nucleotide variant.
Coding change: c.1418+1G>C on transcript NM_002180.3 (MANE Select); the canonical splice donor site of the intron after coding-DNA position 1418, G replaced by C.
Molecular consequence: splice donor variant.
Genome position (GRCh38, 1-based): chr11:68,933,482, G>C. VCF-style: chr11-68933482-G-C. GRCh37 (hg19) VCF-style: chr11-68700950-G-C.
Identifiers: ClinVar variation 523647 (VCV000523647.5), dbSNP rs1160978570, ClinGen allele CA381649500.